The following is an entry in ClinVar:

NM_152490.5(B3GALNT2):c.379G>A (p.Glu127Lys)

Gene: B3GALNT2 (beta-1,3-N-acetylgalactosaminyltransferase 2; minus strand). Cytogenetic location: 1q42.3.
Variant type: single nucleotide variant.
Coding change: c.379G>A on transcript NM_152490.5 (MANE Select); coding-DNA position 379, G replaced by A.
Protein change: p.Glu127Lys; replaces glutamic acid 127 with lysine.
Molecular consequence: missense variant.
Genome position (GRCh38, 1-based): chr1:235,484,498, C>T on the plus strand (G>A on the coding strand, the complement: B3GALNT2 is on the minus strand). VCF-style: chr1-235484498-C-T. GRCh37 (hg19) VCF-style: chr1-235647814-C-T.
Other names: c.502G>A, p.Glu168Lys (NM_001277155.3); c.379G>A (NM_152490.2); short protein forms E168K, E127K.
Identifiers: ClinVar variation 2084027 (VCV002084027.2), dbSNP rs1226987181, ClinGen allele CA344925548.

ClinVar aggregate classification (germline): Uncertain significance. Review status: criteria provided, multiple submitters, no conflicts (2 of 4 stars). 2 submissions from 2 submitters: Uncertain significance (2). Last evaluated 2024-10-15.

Conditions:
Muscular dystrophy-dystroglycanopathy (congenital with brain and eye anomalies), type a, 11 (MDDGA11). Also called: WALKER-WARBURG SYNDROME OR MUSCLE-EYE-BRAIN DISEASE, B3GALNT2-RELATED; Congenital muscular dystrophy-dystroglycanopathy with brain and eye anomalies, type A11; Muscular dystrophy-dystroglycanopathy (congenital with brain and eye anomalies, type A, 11. Identifiers: Orphanet 588, Orphanet 899, MedGen C3554638, MONDO:0014071, OMIM 615181.

Allele frequency attached by ClinVar (database versions not stated): gnomAD 0.00001.
gnomAD v4.1: 2 of 1,613,812 alleles (0.00012%); highest among the groups gnomAD compares: Admixed American, 0.0017%; no homozygotes.

Submissions (2):

GeneDx
Classification: Uncertain significance. Last evaluated: 2024-10-15. Review status: criteria provided, single submitter. Criteria: GeneDx Variant Classification Process June 2021. Collection method: clinical testing. Allele origin: germline. Affected: yes.
Comment: Not observed at significant frequency in large population cohorts (gnomAD); In silico analysis indicates that this missense variant does not alter protein structure/function; Has not been previously published as pathogenic or benign to our knowledge

Labcorp Genetics (formerly Invitae), Labcorp
Classification: Uncertain significance for Muscular dystrophy-dystroglycanopathy (congenital with brain and eye anomalies), type a, 11. Last evaluated: 2022-05-27. Review status: criteria provided, single submitter. Criteria: Invitae Variant Classification Sherloc (09022015). Collection method: clinical testing. Allele origin: germline.
Comment: This sequence change replaces glutamic acid, which is acidic and polar, with lysine, which is basic and polar, at codon 127 of the B3GALNT2 protein (p.Glu127Lys). This variant is present in population databases (no rsID available, gnomAD 0.003%). This variant has not been reported in the literature in individuals affected with B3GALNT2-related conditions. Algorithms developed to predict the effect of missense changes on protein structure and function (SIFT, PolyPhen-2, Align-GVGD) all suggest that this variant is likely to be tolerated. In summary, the available evidence is currently insufficient to determine the role of this variant in disease. Therefore, it has been classified as a Variant of Uncertain Significance.